The following is an entry in ClinVar:

ClinVar aggregate classification (germline): Uncertain significance (1 of 4 stars; one submission).

Submission:

Labcorp Genetics (formerly Invitae), Labcorp
Classification: Uncertain significance. Last evaluated: 2025-08-09. Review status: criteria provided, single submitter. Criteria: Invitae Variant Classification Sherloc (09022015). Collection method: clinical testing. Allele origin: germline.
Comment: This sequence change replaces lysine, which is basic and polar, with glutamic acid, which is acidic and polar, at codon 2280 of the POLE protein (p.Lys2280Glu). This variant is not present in population databases (gnomAD no frequency). This variant has not been reported in the literature in individuals affected with POLE-related conditions. ClinVar contains an entry for this variant (Variation ID: 1473086). An algorithm developed to predict the effect of missense changes on protein structure and function (PolyPhen-2) suggests that this variant is likely to be tolerated. In summary, the available evidence is currently insufficient to determine the role of this variant in disease. Therefore, it has been classified as a Variant of Uncertain Significance.

NM_006231.4(POLE):c.6838A>G (p.Lys2280Glu)

Gene: POLE (DNA polymerase epsilon, catalytic subunit; minus strand). Cytogenetic location: 12q24.33.
Variant type: single nucleotide variant.
Coding change: c.6838A>G on transcript NM_006231.4 (MANE Select); coding-DNA position 6838, A replaced by G.
Protein change: p.Lys2280Glu; replaces lysine 2280 with glutamic acid.
Molecular consequence: missense variant.
Genome position (GRCh38, 1-based): chr12:132,624,720, T>C on the plus strand (A>G on the coding strand, the complement: POLE is on the minus strand). VCF-style: chr12-132624720-T-C. GRCh37 (hg19) VCF-style: chr12-133201306-T-C.
Other names: short protein forms K2280E.
Identifiers: ClinVar variation 1473086 (VCV001473086.8), dbSNP rs2138421706, ClinGen allele CA387365616.